The following is an entry in ClinVar:

NM_004958.4(MTOR):c.1909A>G (p.Ile637Val)

Gene: MTOR (mechanistic target of rapamycin kinase; minus strand). Cytogenetic location: 1p36.22.
Variant type: single nucleotide variant.
Coding change: c.1909A>G on transcript NM_004958.4 (MANE Select); coding-DNA position 1909, A replaced by G.
Protein change: p.Ile637Val; replaces isoleucine 637 with valine.
Molecular consequence: missense variant.
Genome position (GRCh38, 1-based): chr1:11,238,495, T>C on the plus strand (A>G on the coding strand, the complement: MTOR is on the minus strand). VCF-style: chr1-11238495-T-C. GRCh37 (hg19) VCF-style: chr1-11298552-T-C.
Other names: short protein forms I637V.
Identifiers: ClinVar variation 695361 (VCV000695361.14), dbSNP rs138066958, ClinGen allele CA590614.

ClinVar aggregate classification (germline): Likely benign. Review status: criteria provided, multiple submitters, no conflicts (2 of 4 stars). 4 submissions from 4 submitters: Likely benign (4). Last evaluated 2026-08-01.

Allele frequency attached by ClinVar (database versions not stated): gnomAD 0.00016 and 0.00018; gnomAD exomes 0.00018 and 0.00027; TOPMed 0.00019; ExAC 0.00028; ESP Exome Variant Server 0.00031; 1000 Genomes Project 30x 0.00062; 1000 Genomes Project 0.00080.
gnomAD v4.1: 304 of 1,614,208 alleles (0.019%); highest among the groups gnomAD compares: Middle Eastern, 0.12%; 4 homozygotes.

Submissions (4):

CeGaT Center for Human Genetics Tuebingen
Classification: Likely benign. Last evaluated: 2026-08-01. Review status: criteria provided, single submitter. Criteria: CeGaT Center For Human Genetics Tuebingen Variant Classification Criteria Version 2. Collection method: clinical testing. Allele origin: germline. Affected: yes. Observed: 1 variant allele.
Comment: MTOR: BS1

Labcorp Genetics (formerly Invitae), Labcorp
Classification: Likely benign. Last evaluated: 2026-01-19. Review status: criteria provided, single submitter. Criteria: Invitae Variant Classification Sherloc (09022015). Collection method: clinical testing. Allele origin: germline.

Blueprint Genetics
Classification: Likely benign. Last evaluated: 2024-11-08. Review status: criteria provided, single submitter. Criteria: ACMG Guidelines, 2015. Collection method: clinical testing. Allele origin: germline.

GeneDx
Classification: Likely benign. Last evaluated: 2021-02-17. Review status: criteria provided, single submitter. Criteria: GeneDx Variant Classification Process June 2021. Collection method: clinical testing. Allele origin: germline. Affected: yes.